The following is an entry in ClinVar:

NM_001151.4(SLC25A4):c.*3110G>C

Gene: SLC25A4 (solute carrier family 25 member 4; plus strand). Cytogenetic location: 4q35.1.
Variant type: single nucleotide variant.
Coding change: c.*3110G>C on transcript NM_001151.4 (MANE Select); 3110 bases downstream of the stop codon, G replaced by C.
Molecular consequence: 3 prime UTR variant.
Genome position (GRCh38, 1-based): chr4:185,150,081, G>C. VCF-style: chr4-185150081-G-C. GRCh37 (hg19) VCF-style: chr4-186071235-G-C.
Identifiers: ClinVar variation 902157 (VCV000902157.4), dbSNP rs116996106, ClinGen allele CA112010062.

ClinVar aggregate classification (germline): Benign (1 of 4 stars; one submission).

Conditions:
Progressive external ophthalmoplegia with mitochondrial DNA deletions, autosomal dominant 2. Also called: PROGRESSIVE EXTERNAL OPHTHALMOPLEGIA, AUTOSOMAL DOMINANT 2. Identifiers: MedGen C1836460, MONDO:0012238, OMIM 609283.

Allele frequency attached by ClinVar (database versions not stated): gnomAD 0.00042 and 0.00047; TOPMed 0.00073; 1000 Genomes Project 30x 0.00187; 1000 Genomes Project 0.00200.

Submission:

Illumina Laboratory Services, Illumina
Classification: Benign for Progressive external ophthalmoplegia with mitochondrial DNA deletions, autosomal dominant 2. Last evaluated: 2018-01-12. Review status: criteria provided, single submitter. Criteria: ICSL Variant Classification Criteria 13 December 2019. Collection method: clinical testing. Allele origin: germline.
Comment: This variant was observed in the ICSL laboratory as part of a predisposition screen in an ostensibly healthy population. It had not been previously curated by ICSL or reported in the Human Gene Mutation Database (HGMD: prior to June 1st, 2018), and was therefore a candidate for classification through an automated scoring system. Utilizing variant allele frequency, disease prevalence and penetrance estimates, and inheritance mode, an automated score was calculated to assess if this variant is too frequent to cause the disease. Based on the score and internal cut-off values, a variant classified as benign is not then subjected to further curation. The score for this variant resulted in a classification of benign for this disease.